The following is an entry in ClinVar:

NM_004329.3(BMPR1A):c.179A>G (p.Lys60Arg)

Gene: BMPR1A (bone morphogenetic protein receptor type 1A; plus strand). Cytogenetic location: 10q23.2.
Variant type: single nucleotide variant.
Coding change: c.179A>G on transcript NM_004329.3 (MANE Select); coding-DNA position 179, A replaced by G.
Protein change: p.Lys60Arg; replaces lysine 60 with arginine.
Molecular consequence: missense variant.
Genome position (GRCh38, 1-based): chr10:86,890,173, A>G. VCF-style: chr10-86890173-A-G. GRCh37 (hg19) VCF-style: chr10-88649930-A-G.
Other names: short protein forms K60R.
Identifiers: ClinVar variation 653310 (VCV000653310.10), dbSNP rs1589763421, ClinGen allele CA377446946.

ClinVar aggregate classification (germline): Uncertain significance (1 of 4 stars; one submission).

Conditions:
Juvenile polyposis syndrome (JPS). Identifiers: Orphanet 2929, MedGen C0345893, MONDO:0017380, OMIM 174900.

Submission:

Labcorp Genetics (formerly Invitae), Labcorp
Classification: Uncertain significance for Juvenile polyposis syndrome. Last evaluated: 2018-11-12. Review status: criteria provided, single submitter. Criteria: Invitae Variant Classification Sherloc (09022015). Collection method: clinical testing. Allele origin: germline.
Comment: Algorithms developed to predict the effect of sequence changes on RNA splicing suggest that this variant may create or strengthen a splice site, but this prediction has not been confirmed by published transcriptional studies. In summary, the available evidence is currently insufficient to determine the role of this variant in disease. Therefore, it has been classified as a Variant of Uncertain Significance. This sequence change replaces lysine with arginine at codon 60 of the BMPR1A protein (p.Lys60Arg). The lysine residue is moderately conserved and there is a small physicochemical difference between lysine and arginine. This variant is not present in population databases (ExAC no frequency). This variant has not been reported in the literature in individuals with BMPR1A-related disease. Algorithms developed to predict the effect of missense changes on protein structure and function (SIFT, PolyPhen-2, Align-GVGD) all suggest that this variant is likely to be tolerated, but these predictions have not been confirmed by published functional studies and their clinical significance is uncertain.